The following is an entry in ClinVar:

NM_000059.4(BRCA2):c.8717_8718del (p.Glu2906fs)

Gene: BRCA2 (BRCA2 DNA repair associated; plus strand). Cytogenetic location: 13q13.1.
Variant type: Deletion.
Coding change: c.8717_8718del on transcript NM_000059.4 (MANE Select); coding-DNA positions 8717 to 8718, 2 bases deleted (AA; older notation c.8717_8718delAA).
Protein change: p.Glu2906fs; shifts the reading frame from glutamic acid 2906.
Molecular consequence: frameshift variant.
Genome position (GRCh38, 1-based): chr13:32,376,754-32,376,755, AA deleted. VCF-style (leftmost placement, unchanged base first): chr13-32376753-GAA-G. GRCh37 (hg19) VCF-style: chr13-32950890-GAA-G.
Other names: 8945_8946delAA; c.8717_8718delAA (NM_000059.3).
Identifiers: ClinVar variation 52661 (VCV000052661.13), dbSNP rs397508003, ClinGen allele CA025792.

ClinVar aggregate classification (germline): Pathogenic. Review status: reviewed by expert panel (3 of 4 stars). 3 submissions from 3 submitters: Pathogenic (1). 2 of the submissions do not count toward it. Last evaluated 2016-10-18.

Conditions:
Hereditary breast ovarian cancer syndrome. Also called: Hereditary breast and ovarian cancer syndrome; Hereditary breast and ovarian cancer; Hereditary breast and ovarian cancer syndrome (HBOC); Breast and ovarian cancer; Hereditary breast and/or ovarian cancer syndrome; BRCA1- and BRCA2-Associated Hereditary Breast and Ovarian Cancer. Identifiers: Orphanet 145, MedGen C0677776, MeSH D061325, MONDO:0003582. Disease mechanism: loss of function.
Breast-ovarian cancer, familial, susceptibility to, 2 (BROVCA2). Also called: BRCA2 Hereditary Breast and Ovarian Cancer. Identifiers: Orphanet 145, MedGen C2675520, MONDO:0012933, OMIM 612555. Disease mechanism: loss of function.

Submissions (3):

Evidence-based Network for the Interpretation of Germline Mutant Alleles (ENIGMA)
Classification: Pathogenic for Breast-ovarian cancer, familial, susceptibility to, 2. Last evaluated: 2016-10-18. Review status: reviewed by expert panel. Criteria: ENIGMA BRCA1/2 Classification Criteria (2015). Collection method: curation. Allele origin: germline.
Comment: Variant allele predicted to encode a truncated non-functional protein.

Labcorp Genetics (formerly Invitae), Labcorp
Classification: Pathogenic for Hereditary breast ovarian cancer syndrome. Last evaluated: 2021-04-28. Review status: criteria provided, single submitter. Criteria: Invitae Variant Classification Sherloc (09022015). Collection method: clinical testing. Allele origin: germline. Not counted in ClinVar's aggregate classification.
Comment: This sequence change creates a premature translational stop signal (p.Glu2906Glyfs*12) in the BRCA2 gene. It is expected to result in an absent or disrupted protein product. Loss-of-function variants in BRCA2 are known to be pathogenic (PMID: 20104584). For these reasons, this variant has been classified as Pathogenic. This variant has been observed in individual(s) with early onset breast cancer (PMID: 12204006). This variant is also known as 8945delAA in the literature. ClinVar contains an entry for this variant (Variation ID: 52661). This variant is not present in population databases (ExAC no frequency).

Consortium of Investigators of Modifiers of BRCA1/2 (CIMBA), c/o University of Cambridge
Classification: Pathogenic for Breast-ovarian cancer, familial, susceptibility to, 2. Last evaluated: 2015-10-02. Review status: criteria provided, single submitter. Criteria: CIMBA Mutation Classification guidelines May 2016. Collection method: clinical testing. Allele origin: germline. Not counted in ClinVar's aggregate classification.

Literature cited by the submitters: PubMed 20104584 (cited by Labcorp Genetics (formerly Invitae), Labcorp); PubMed 12204006 (cited by Labcorp Genetics (formerly Invitae), Labcorp).